The following is an entry in ClinVar:

ClinVar aggregate classification (germline): Uncertain significance (1 of 4 stars; one submission).

Conditions:
Cardiovascular phenotype. Identifiers: MedGen CN230736.

gnomAD v4.1: 2 of 1,614,098 alleles (0.00012%); highest among the groups gnomAD compares: African/African-American, 0.0013%; no homozygotes.

Submission:

Ambry Genetics
Classification: Uncertain significance for Cardiovascular phenotype. Last evaluated: 2025-12-22. Review status: criteria provided, single submitter. Criteria: Ambry Variant Classification Scheme 2023. Collection method: clinical testing. Allele origin: germline.
Comment: The c.1669-5C>T intronic variant results from a C to T substitution 5 nucleotides upstream from coding exon 15 in the RAF1 gene. This nucleotide position is not well conserved in available vertebrate species. In silico splice site analysis predicts that this alteration will not have any significant effect on splicing. Based on the available evidence, the clinical significance of this variant remains unclear.

NM_002880.4(RAF1):c.1669-5C>T

Gene: RAF1 (Raf-1 proto-oncogene, serine/threonine kinase; minus strand). Cytogenetic location: 3p25.2.
Variant type: single nucleotide variant.
Coding change: c.1669-5C>T on transcript NM_002880.4 (MANE Select); 5 bases into the intron before coding-DNA position 1669, C replaced by T.
Molecular consequence: intron variant.
Genome position (GRCh38, 1-based): chr3:12,584,986, G>A on the plus strand (C>T on the coding strand, the complement: RAF1 is on the minus strand). VCF-style: chr3-12584986-G-A. GRCh37 (hg19) VCF-style: chr3-12626485-G-A.
Other names: c.1327-5C>T (NM_001354695.3); c.1426-5C>T (NM_001354692.3, NM_001354691.3); c.1486-5C>T (NM_001354694.3); c.1570-5C>T (NM_001354693.3); c.1729-5C>T (NM_001354689.3); c.1669-5C>T (NM_001354690.3).
Identifiers: ClinVar variation 4842449 (VCV004842449.1).